The following is an entry in ClinVar:

ClinVar aggregate classification (germline): Pathogenic. Review status: criteria provided, multiple submitters, no conflicts (2 of 4 stars). 28 submissions from 27 submitters: Pathogenic (25). 3 of the submissions do not count toward it. Last evaluated 2026-02-03.

Conditions:
SLC37A4-related disorder. Also called: SLC37A4-related condition.
Congenital disorder of glycosylation, type IIw. Identifiers: MedGen C5561986, MONDO:0030437, OMIM 619525.
Glucose-6-phosphate transport defect (GSD1B). Also called: GSD Ib; Glycogen Storage Disease Type Ib. Identifiers: Orphanet 364, Orphanet 79259, MedGen C0268146, MONDO:0009288, OMIM 232220.
Phosphate transport defect (GSD1C). Also called: GLYCOGEN STORAGE DISEASE Ic; GSD Ic. Identifiers: Orphanet 364, Orphanet 79259, MedGen C0342749, OMIM 232240.
Inborn genetic diseases. Identifiers: MedGen C0950123, MeSH D030342.
Glycogen storage disease, type I. Identifiers: Orphanet 364, MedGen C0017920, MONDO:0002413.
Glycogen storage disease. Also called: glycogen storage disorder; Disorder of glycogen metabolism. Identifiers: Orphanet 79201, MedGen C0017919, MONDO:0002412.

Allele frequency attached by ClinVar (database versions not stated): 1000 Genomes Project 30x 0.00016; TOPMed 0.00016; gnomAD exomes 0.00017 and 0.00018; ExAC 0.00023; gnomAD 0.00024 and 0.00026.

Submissions 1 to 15 of 28:

Department of Molecular Genetics, Istishari Arab Hospital
Classification: Pathogenic for Glucose-6-phosphate transport defect. Last evaluated: 2026-02-03. Review status: criteria provided, single submitter. Criteria: ACMG Guidelines, 2015. Collection method: clinical testing. Allele origin: germline. Inheritance: Autosomal recessive inheritance. Affected: yes.
Comment: The SLC37A4 variant c.1042_1043del, p.Leu348Valfs*53 creates a shift in the reading frame at codon 348, which results in termination of protein 53 codons downstream in exon 9 (of 10 exons). It is predicted to result in a loss or disruption of normal protein function through nonsense-mediated decay (NMD) or protein truncation. The variant is observed at an extremely low frequency in the gnomAD v4.1.0 dataset (total allele frequency: 0.018%). This variant was previously reported in patients with autosomal recessive glycogen storage disease type Ib/IC (PMID: 18437526, 30609409, 37147621, 34946936, 34775139, 15953877, 9758626, 9781688, 32005221, 31536830, 34426522). It is classified as pathogenic according to the recommendations of ACMG/AMP/ClinGen SVI guidelines.

CeGaT Center for Human Genetics Tuebingen
Classification: Pathogenic. Last evaluated: 2026-02-01. Review status: criteria provided, single submitter. Criteria: CeGaT Center For Human Genetics Tuebingen Variant Classification Criteria Version 2. Collection method: clinical testing. Allele origin: germline. Affected: yes. Observed: 3 variant alleles.
Comment: SLC37A4: PM3:Very Strong, PVS1:Strong, PM2

Labcorp Genetics (formerly Invitae), Labcorp
Classification: Pathogenic for Glucose-6-phosphate transport defect. Last evaluated: 2026-01-13. Review status: criteria provided, single submitter. Criteria: Invitae Variant Classification Sherloc (09022015). Collection method: clinical testing. Allele origin: germline.
Comment: This sequence change creates a premature translational stop signal (p.Leu348Valfs*53) in the SLC37A4 gene. While this is not anticipated to result in nonsense mediated decay, it is expected to disrupt the last 82 amino acid(s) of the SLC37A4 protein. This variant is present in population databases (rs80356491, gnomAD 0.04%). This premature translational stop signal has been observed in individuals with autosomal recessive glycogen storage disease (PMID: 10923042, 15953877, 22899091, 26913919, 28224773). ClinVar contains an entry for this variant (Variation ID: 6926). For these reasons, this variant has been classified as Pathogenic.

PreventionGenetics, part of Exact Sciences
Classification: Pathogenic for SLC37A4-related condition. Last evaluated: 2025-12-09. Review status: criteria provided, single submitter. Criteria: ACMG Guidelines, 2015. Collection method: clinical testing. Allele origin: germline.
Comment: The SLC37A4 c.1042_1043delCT variant is predicted to result in a frameshift and premature protein termination (p.Leu348Valfs*53). This variant is one of the most commonly reported causative variants for glycogen storage disease type Ib in individuals of European descent (Marcolongo et al. 1998. PubMed ID: 9781688; Veiga-da-Cunha et al. 1998. PubMed ID: 9758626; Matern et al. 2002. PubMed ID: 12373566). This variant is reported in 0.034% of alleles in individuals of Latino descent in gnomAD. Frameshift variants in SLC37A4 are expected to be pathogenic. This variant is interpreted as pathogenic.

Natera, Inc.
Classification: Pathogenic for Glycogen storage disease type Ib. Last evaluated: 2025-09-16. Review status: criteria provided, single submitter. Criteria: Natera Variant Classification Schema (03/2026). Collection method: clinical testing. Allele origin: germline.
Comment: The c.1042_1043delCT variant in SLC37A4 is a frameshift variant predicted to shift the reading frame beginning at codon 348 and leads to a stop codon 53 codons downstream. This variant is expected to result in nonsense mediated decay, truncation, or a dysfunctional protein product. This variant is rare in the general population with a frequency below the threshold expected for the associated phenotype(s). This variant has been observed in one or more individuals affected with the associated recessive disease, as either homozygous or compound heterozygous with a second variant (PMID: 31508908). Given the available evidence, this variant is classified as Pathogenic.

GeneDx
Classification: Pathogenic. Last evaluated: 2025-07-25. Review status: criteria provided, single submitter. Criteria: GeneDx Variant Classification Process June 2021. Collection method: clinical testing. Allele origin: germline. Affected: yes.
Comment: Frameshift variant predicted to result in abnormal protein length as the last 82 amino acids are replaced with 52 different amino acids, and other similar variants have been reported in HGMD; This variant is associated with the following publications: (PMID: 18437526, 30609409, 37147621, 34946936, 34775139, 15953877, 9758626, 9781688, 32005221, 31536830, 34426522, 34093448, 31589614, 33977030, 35433171, 35822097, 38087503, 37275680, 38531056, 35620924, 38605407, 36964972, 36039216, 37779861, 22899091, 38259611, 10923042, 26913919, 10026167, 38818036, 28224773, 40536628, 40399615, 38185897, 10323254, 25971127, 31508908)

Immunogenetics and Transplant Biology Service, University Hospital "Città della Salute e della Scienza di Torino"
Classification: Pathogenic for Glucose-6-phosphate transport defect; Phosphate transport defect. Last evaluated: 2025-06-28. Review status: criteria provided, single submitter. Criteria: ACMG Guidelines, 2015. Collection method: clinical testing. Allele origin: germline. Affected: yes.

Revvity Omics, Revvity
Classification: Pathogenic. Last evaluated: 2025-03-27. Review status: criteria provided, single submitter. Criteria: ACMG Guidelines, 2015. Collection method: clinical testing. Allele origin: germline.

Laboratory of Genetics, Children's Clinical University Hospital Latvia
Classification: Pathogenic. Last evaluated: 2025-02-16. Review status: criteria provided, single submitter. Criteria: ACMG Guidelines, 2015. Collection method: clinical testing. Allele origin: germline. Affected: yes.

Genomic Medicine Center of Excellence, King Faisal Specialist Hospital and Research Centre
Classification: Pathogenic for Congenital disorder of glycosylation, type IIw. Last evaluated: 2024-12-19. Review status: criteria provided, single submitter. Criteria: ACMG Guidelines, 2015. Collection method: clinical testing. Allele origin: germline.

Blueprint Genetics
Classification: Pathogenic for SLC37A4-related disorders. Last evaluated: 2024-09-18. Review status: criteria provided, single submitter. Criteria: ACMG Guidelines, 2015. Collection method: clinical testing. Allele origin: germline. Affected: yes. Observed: 5 variant alleles.

Fulgent Genetics
Classification: Pathogenic for Glucose-6-phosphate transport defect; Phosphate transport defect; Congenital disorder of glycosylation, type IIw. Last evaluated: 2024-05-08. Review status: criteria provided, single submitter. Criteria: ACMG Guidelines, 2015. Collection method: clinical testing. Allele origin: germline.

Baylor Genetics
Classification: Pathogenic for Glucose-6-phosphate transport defect. Last evaluated: 2024-03-24. Review status: criteria provided, single submitter. Criteria: ACMG Guidelines, 2015. Collection method: clinical testing. Allele origin: unknown.

3billion
Classification: Pathogenic for Phosphate transport defect. Last evaluated: 2023-02-23. Review status: criteria provided, single submitter. Criteria: ACMG Guidelines, 2015. Collection method: clinical testing. Allele origin: unknown. Affected: yes.
Comment: The variant is observed at an extremely low frequency in the gnomAD v2.1.1 dataset (total allele frequency: 0.020%). This variant was predicted to result in a loss or disruption of normal protein function through nonsense-mediated decay (NMD) or protein truncation. Multiple pathogenic variants are reported downstream of the variant. The variant has been reported at least twice as pathogenic with clinical assertions and evidence for the classification (ClinVar ID: VCV000006926 / PMID: 9781688). Therefore, this variant is classified as Pathogenic according to the recommendation of ACMG/AMP guideline.

Laboratory of Medical Genetics, National & Kapodistrian University of Athens
Classification: Pathogenic for Glucose-6-phosphate transport defect. Last evaluated: 2022-11-08. Review status: criteria provided, single submitter. Criteria: ACMG Guidelines, 2015. Collection method: clinical testing. Allele origin: germline. Affected: yes.
Comment: PVS1, PS4, PM2, PP5

NM_001164277.2(SLC37A4):c.1042_1043del (p.Leu348fs)

Gene: SLC37A4 (solute carrier family 37 member 4; minus strand). Cytogenetic location: 11q23.3.
Variant type: Deletion.
Coding change: c.1042_1043del on transcript NM_001164277.2 (MANE Select); coding-DNA positions 1042 to 1043, 2 bases deleted (CT; older notation c.1042_1043delCT).
Protein change: p.Leu348fs; shifts the reading frame from leucine 348.
Molecular consequence: frameshift variant.
Genome position (GRCh38, 1-based): chr11:119,025,271-119,025,272, AG deleted on the plus strand (CT on the coding strand, the reverse complement: SLC37A4 is on the minus strand). VCF-style (leftmost placement, unchanged base first): chr11-119025270-CAG-C. GRCh37 (hg19) VCF-style: chr11-118895980-CAG-C.
Other names: 1211delCT; p.Leu370ValfsTer53; p.Leu348Valfs*53; c.1042_1043delCT (NM_001164277.1, NM_001164280.1); c.1108_1109del, p.Leu370fs (NM_001164278.2); c.823_824del, p.Leu275fs (NM_001164279.2); c.1042_1043del, p.Leu348fs (NM_001164280.2, NM_001467.6); short protein forms L275fs, L348fs, L370fs.
Identifiers: ClinVar variation 6926 (VCV000006926.86), dbSNP rs80356491, ClinGen allele CA118560.
Genomic context (GRCh38, chr11:119,025,270, plus strand): 5'-AATGGCGTGGGAGGTGCCACACAAGTTGGGAGGGGCACTCTCGTTGGCTATGACTCCAAA[CAG>C]GGCAATGGGGCCATACGAGGAGAAACCAAATACAGCTCCCAATACCAGGATCCAGAGCTG-3'